The following is an entry in ClinVar:

NM_001282531.3(ADNP):c.2648A>G (p.Glu883Gly)

Gene: ADNP (activity dependent neuroprotector homeobox; minus strand). Cytogenetic location: 20q13.13.
Variant type: single nucleotide variant.
Coding change: c.2648A>G on transcript NM_001282531.3 (MANE Select); coding-DNA position 2648, A replaced by G.
Protein change: p.Glu883Gly; replaces glutamic acid 883 with glycine.
Molecular consequence: missense variant.
Genome position (GRCh38, 1-based): chr20:50,892,066, T>C on the plus strand (A>G on the coding strand, the complement: ADNP is on the minus strand). VCF-style: chr20-50892066-T-C. GRCh37 (hg19) VCF-style: chr20-49508603-T-C.
Other names: c.2648A>G, p.Glu883Gly (NM_001282532.2, NM_001347511.2, NM_015339.5 and 1 more transcripts); c.2864A>G, p.Glu955Gly (NM_001439000.1); c.1964A>G, p.Glu655Gly (NM_001439001.1); short protein forms E655G, E883G, E955G.
Identifiers: ClinVar variation 4806485 (VCV004806485.1).
Genomic context (GRCh38, chr20:50,892,066, plus strand): 5'-ATTTTAGGTTCAACTTCAAAAACAGGGTCAAAAGGGCTACCACTTTCATTGGATTCTTCT[T>C]CCAAATTTTCAAAACTGTCTGAGGAACTGTCATCTTCCTTCCCAAGGTTGAGCTTTTTGT-3'
Protein context (NP_001269460.1, residues 873-893): DSSSDSFENL[Glu883Gly]EESNESGSPF

ClinVar aggregate classification (germline): Uncertain significance (1 of 4 stars; one submission).

gnomAD v4.1: 1 of 1,614,160 alleles (0.000062%); highest among the groups gnomAD compares: African/African-American, 0.0013%; no homozygotes.

Submission:

Labcorp Genetics (formerly Invitae), Labcorp
Classification: Uncertain significance. Last evaluated: 2025-07-15. Review status: criteria provided, single submitter. Criteria: Invitae Variant Classification Sherloc (09022015). Collection method: clinical testing. Allele origin: germline.
Comment: This sequence change replaces glutamic acid, which is acidic and polar, with glycine, which is neutral and non-polar, at codon 883 of the ADNP protein (p.Glu883Gly). This variant is not present in population databases (gnomAD no frequency). This variant has not been reported in the literature in individuals affected with ADNP-related conditions. An algorithm developed to predict the effect of missense changes on protein structure and function (PolyPhen-2) suggests that this variant is likely to be tolerated. In summary, the available evidence is currently insufficient to determine the role of this variant in disease. Therefore, it has been classified as a Variant of Uncertain Significance.